The following is an entry in ClinVar:

NM_002529.4(NTRK1):c.1331G>A (p.Arg444Gln)

Gene: NTRK1 (neurotrophic receptor tyrosine kinase 1; plus strand). Cytogenetic location: 1q23.1.
Variant type: single nucleotide variant.
Coding change: c.1331G>A on transcript NM_002529.4 (MANE Select); coding-DNA position 1331, G replaced by A.
Protein change: p.Arg444Gln; replaces arginine 444 with glutamine.
Molecular consequence: missense variant.
Genome position (GRCh38, 1-based): chr1:156,874,985, G>A. VCF-style: chr1-156874985-G-A. GRCh37 (hg19) VCF-style: chr1-156844777-G-A.
Other names: p.Arg438Gln; c.1223G>A, p.Arg408Gln (NM_001007792.1); c.1313G>A, p.Arg438Gln (NM_001012331.2); short protein forms R408Q, R438Q, R444Q.
Identifiers: ClinVar variation 292886 (VCV000292886.27), dbSNP rs56320207, ClinGen allele CA1169280.

ClinVar aggregate classification (germline): Benign. Review status: criteria provided, multiple submitters, no conflicts (2 of 4 stars). 9 submissions from 9 submitters: Benign (9). Last evaluated 2026-02-02.

Conditions:
Hereditary insensitivity to pain with anhidrosis (CIPA). Also called: NEUROPATHY, CONGENITAL SENSORY, WITH ANHIDROSIS; hereditary sensory and autonomic neuropathy type 4; FAMILIAL DYSAUTONOMIA, TYPE II; NTRK1 Congenital Insensitivity to Pain with Anhidrosis; INSENSITIVITY TO PAIN, CONGENITAL, WITH ANHIDROSIS; HSAN Type IV. Identifiers: Orphanet 642, MedGen C0020074, MONDO:0009746, OMIM 256800.

Allele frequency attached by ClinVar (database versions not stated): gnomAD exomes 0.00265; ExAC 0.00326; gnomAD 0.00943 and 0.01010; 1000 Genomes Project 0.00978; 1000 Genomes Project 30x 0.00999; TOPMed 0.01094; ESP Exome Variant Server 0.01099.
gnomAD v4.1: 2,986 of 1,613,750 alleles (0.19%); highest among the groups gnomAD compares: African/African-American, 3.4%; 50 homozygotes.

Submissions (9):

Labcorp Genetics (formerly Invitae), Labcorp
Classification: Benign for Hereditary insensitivity to pain with anhidrosis. Last evaluated: 2026-02-02. Review status: criteria provided, single submitter. Criteria: Invitae Variant Classification Sherloc (09022015). Collection method: clinical testing. Allele origin: germline.

KCCC/NGS Laboratory, Kuwait Cancer Control Center
Classification: Benign for Hereditary insensitivity to pain with anhidrosis. Last evaluated: 2023-07-07. Review status: criteria provided, single submitter. Criteria: ACMG Guidelines, 2015. Collection method: clinical testing. Allele origin: germline. Affected: yes.

Genome-Nilou Lab
Classification: Benign for Hereditary insensitivity to pain with anhidrosis. Last evaluated: 2023-04-11. Review status: criteria provided, single submitter. Criteria: ACMG Guidelines, 2015. Collection method: clinical testing. Allele origin: germline. Affected: no.

ARUP Laboratories, Molecular Genetics and Genomics, ARUP Laboratories
Classification: Benign for Hereditary insensitivity to pain with anhidrosis. Last evaluated: 2021-09-27. Review status: criteria provided, single submitter. Criteria: ARUP Molecular Germline Variant Investigation Process 2021. Collection method: clinical testing. Allele origin: germline.

Athena Diagnostics
Classification: Benign. Last evaluated: 2021-02-26. Review status: criteria provided, single submitter. Criteria: Athena Diagnostics criteria. Collection method: clinical testing. Allele origin: unknown.

Illumina Laboratory Services, Illumina
Classification: Benign for Hereditary insensitivity to pain with anhidrosis. Last evaluated: 2018-01-12. Review status: criteria provided, single submitter. Criteria: ICSL Variant Classification Criteria 13 December 2019. Collection method: clinical testing. Allele origin: germline.
Comment: This variant was observed in the ICSL laboratory as part of a predisposition screen in an ostensibly healthy population. It had not been previously curated by ICSL or reported in the Human Gene Mutation Database (HGMD: prior to June 1st, 2018), and was therefore a candidate for classification through an automated scoring system. Utilizing variant allele frequency, disease prevalence and penetrance estimates, and inheritance mode, an automated score was calculated to assess if this variant is too frequent to cause the disease. Based on the score and internal cut-off values, a variant classified as benign is not then subjected to further curation. The score for this variant resulted in a classification of benign for this disease.

Mayo Clinic Laboratories, Mayo Clinic
Classification: Benign. Last evaluated: 2016-03-07. Review status: criteria provided, single submitter. Criteria: ACMG Guidelines, 2015. Collection method: clinical testing. Allele origin: germline. Observed: 7 variant alleles.

GeneDx
Classification: Benign. Last evaluated: 2015-04-24. Review status: criteria provided, single submitter. Criteria: GeneDx Variant Classification (06012015). Collection method: clinical testing. Allele origin: germline. Affected: yes.
Comment: This variant is considered likely benign or benign based on one or more of the following criteria: it is a conservative change, it occurs at a poorly conserved position in the protein, it is predicted to be benign by multiple in silico algorithms, and/or has population frequency not consistent with disease.

Breakthrough Genomics
Classification: Benign. Review status: criteria provided, single submitter. Criteria: ACMG Guidelines, 2015. Collection method: not provided. Allele origin: germline. Inheritance: Autosomal recessive inheritance. Affected: yes.

Literature cited by the submitters: PubMed 26215504 (cited by Athena Diagnostics); PubMed 29190530 (cited by Athena Diagnostics); PubMed 26925801 (cited by Athena Diagnostics).